The following is an entry in ClinVar:

ClinVar aggregate classification (germline): Uncertain significance (1 of 4 stars; one submission).

Submission:

GeneDx
Classification: Uncertain significance. Last evaluated: 2023-03-25. Review status: criteria provided, single submitter. Criteria: GeneDx Variant Classification Process June 2021. Collection method: clinical testing. Allele origin: germline. Affected: yes.
Comment: Frameshift variant predicted to result in protein truncation as the last 51 amino acids are replaced with 5 different amino acids, although loss-of-function variants have not been reported downstream of this position in the protein; Not observed at significant frequency in large population cohorts (gnomAD); Has not been previously published as pathogenic or benign to our knowledge; Variants in candidate genes are classified as variants of uncertain significance in accordance with ACMG guidelines (Richards et al., 2015)

NM_012247.5(SEPHS1):c.1022dup (p.Ser342fs)

Gene: SEPHS1 (selenophosphate synthetase 1; minus strand). Cytogenetic location: 10p13.
Variant type: Duplication.
Coding change: c.1022dup on transcript NM_012247.5 (MANE Select); coding-DNA position 1022, one base duplicated (A; older notation c.1022dupA).
Protein change: p.Ser342fs; shifts the reading frame from serine 342.
Molecular consequence: frameshift variant. On other transcripts: non-coding transcript variant (1).
Genome position (GRCh38, 1-based): chr10:13,319,299, T duplicated on the plus strand (A on the coding strand, the reverse complement: SEPHS1 is on the minus strand); the first of 3 consecutive T bases (chr10:13,319,299-13,319,301); duplicating any one gives the same sequence. VCF-style (leftmost placement, unchanged base first): chr10-13319298-C-CT. GRCh37 (hg19) VCF-style: chr10-13361298-C-CT.
Other names: c.821dup, p.Ser275fs (NM_001195602.2); c.809dup, p.Ser271fs (NM_001195604.2); c.1016dup, p.Ser340fs (NM_001375769.1); short protein forms S271fs, S275fs, S340fs, S342fs.
Identifiers: ClinVar variation 3342929 (VCV003342929.1).